The following is an entry in ClinVar:

ClinVar aggregate classification (germline): Uncertain significance (1 of 4 stars; one submission).

Submission:

GeneDx
Classification: Uncertain significance. Last evaluated: 2022-10-12. Review status: criteria provided, single submitter. Criteria: GeneDx Variant Classification Process June 2021. Collection method: clinical testing. Allele origin: germline. Affected: yes.
Comment: Not observed at significant frequency in large population cohorts (gnomAD); In silico analysis supports a deleterious effect on protein structure/function; Has not been previously published as pathogenic or benign to our knowledge

NM_138694.4(PKHD1):c.1184_1185delinsCC (p.Asp395Ala)

Gene: PKHD1 (PKHD1 ciliary IPT domain containing fibrocystin/polyductin; minus strand). Cytogenetic location: 6p12.2.
Variant type: Indel.
Coding change: c.1184_1185delinsCC on transcript NM_138694.4 (MANE Select); coding-DNA positions 1184 to 1185, AT replaced by CC.
Protein change: p.Asp395Ala; replaces aspartic acid 395 with alanine.
Molecular consequence: missense variant.
Genome position (GRCh38, 1-based): chr6:52,059,976-52,059,977, AT replaced by GG on the plus strand (AT replaced by CC on the coding strand, the reverse complement: PKHD1 is on the minus strand). VCF-style: chr6-52059976-AT-GG. GRCh37 (hg19) VCF-style: chr6-51924774-AT-GG.
Other names: c.1184_1185delinsCC, p.Asp395Ala (NM_170724.3); short protein forms D395A.
Identifiers: ClinVar variation 2499432 (VCV002499432.1), dbSNP rs2533401812, ClinGen allele CA2580075614.
Genomic context (GRCh38, chr6:52,059,976, plus strand): 5'-GACAGTGAATACCTTAGTCCTTGGTTCCTCTGACCAACTGAAATGCAAGGAAGCTTGGCT[AT>GG]CTGCCTGAATCCAGAAAGTGTAATTATTTGTCTCTGGAGCCACAAAGAACCCACTGAGCC-3'
Protein context (NP_619639.3, residues 385-405): TNNYTFWIQA[Asp395Ala]SQASLHFSWS